The following is an entry in ClinVar:

NM_000455.5(STK11):c.939T>G (p.His313Gln)

Gene: STK11 (serine/threonine kinase 11; plus strand). Cytogenetic location: 19p13.3.
Variant type: single nucleotide variant.
Coding change: c.939T>G on transcript NM_000455.5 (MANE Select); coding-DNA position 939, T replaced by G.
Protein change: p.His313Gln; replaces histidine 313 with glutamine.
Molecular consequence: missense variant.
Genome position (GRCh38, 1-based): chr19:1,223,003, T>G. VCF-style: chr19-1223003-T-G. GRCh37 (hg19) VCF-style: chr19-1223002-T-G.
Other names: short protein forms H313Q.
Identifiers: ClinVar variation 485007 (VCV000485007.9), dbSNP rs1555739169, ClinGen allele CA402951484.

ClinVar aggregate classification (germline): Uncertain significance. Review status: criteria provided, multiple submitters, no conflicts (2 of 4 stars). 4 submissions from 4 submitters: Uncertain significance (4). Last evaluated 2023-11-02.

Conditions:
Hereditary cancer-predisposing syndrome. Also called: Hereditary neoplastic syndrome; Neoplastic Syndromes, Hereditary; Tumor predisposition; Hereditary Cancer Syndrome. Identifiers: Orphanet 140162, MedGen C0027672, MeSH D009386, MONDO:0015356.
Peutz-Jeghers syndrome (PJS). Also called: POLYPOSIS, HAMARTOMATOUS INTESTINAL; POLYPS-AND-SPOTS SYNDROME; Peutz-Jeghers polyposis; Periorificial lentiginosis syndrome. Identifiers: Orphanet 2869, MedGen C0031269, MeSH D010580, MONDO:0008280, OMIM 175200.

Submissions (4):

All of Us Research Program, National Institutes of Health
Classification: Uncertain significance for Peutz-Jeghers syndrome. Last evaluated: 2023-11-02. Review status: criteria provided, single submitter. Criteria: ACMG Guidelines, 2015. Collection method: clinical testing. Allele origin: germline. Inheritance: Autosomal dominant inheritance. Observed: 1 variant allele, 1 heterozygote.
Comment: This missense variant replaces histidine with glutamine at codon 313 of the STK11 protein. Computational prediction suggests that this variant may not impact protein structure and function (internally defined REVEL score threshold <= 0.5, PMID: 27666373). To our knowledge, functional studies have not been reported for this variant. This variant has not been reported in individuals affected with STK11-related disorders in the literature. This variant has not been identified in the general population by the Genome Aggregation Database (gnomAD). The available evidence is insufficient to determine the role of this variant in disease conclusively. Therefore, this variant is classified as a Variant of Uncertain Significance.

This study involves interpretation of variants in research participants for the purpose of population health screening. Participant phenotype was not available at the time of variant classification. Additional details can be found in publication PMID: 35346344, PMCID: PMC8962531

Labcorp Genetics (formerly Invitae), Labcorp
Classification: Uncertain significance for Peutz-Jeghers syndrome. Last evaluated: 2022-06-13. Review status: criteria provided, single submitter. Criteria: Invitae Variant Classification Sherloc (09022015). Collection method: clinical testing. Allele origin: germline.
Comment: This sequence change replaces histidine, which is basic and polar, with glutamine, which is neutral and polar, at codon 313 of the STK11 protein (p.His313Gln). This variant is not present in population databases (gnomAD no frequency). This variant has not been reported in the literature in individuals affected with STK11-related conditions. ClinVar contains an entry for this variant (Variation ID: 485007). Advanced modeling of protein sequence and biophysical properties (such as structural, functional, and spatial information, amino acid conservation, physicochemical variation, residue mobility, and thermodynamic stability) performed at Invitae indicates that this missense variant is expected to disrupt STK11 protein function. In summary, the available evidence is currently insufficient to determine the role of this variant in disease. Therefore, it has been classified as a Variant of Uncertain Significance.

GeneDx
Classification: Uncertain significance. Last evaluated: 2022-01-06. Review status: criteria provided, single submitter. Criteria: GeneDx Variant Classification Process June 2021. Collection method: clinical testing. Allele origin: germline. Affected: yes.
Comment: Not observed at significant frequency in large population cohorts (gnomAD); In silico analysis supports that this missense variant has a deleterious effect on protein structure/function; Has not been previously published as pathogenic or benign to our knowledge; This variant is associated with the following publications: (PMID: 28900777)

Ambry Genetics
Classification: Uncertain significance for Hereditary cancer-predisposing syndrome. Last evaluated: 2016-06-07. Review status: criteria provided, single submitter. Criteria: Ambry Variant Classification Scheme 2023. Collection method: clinical testing. Allele origin: germline.
Comment: The p.H313Q variant (also known as c.939T>G), located in coding exon 8 of the STK11 gene, results from a T to G substitution at nucleotide position 939. The histidine at codon 313 is replaced by glutamine, an amino acid with highly similar properties. This variant was not reported in population based cohorts in the following databases: Database of Single Nucleotide Polymorphisms (dbSNP), NHLBI Exome Sequencing Project (ESP), and 1000 Genomes Project. In the ESP, this variant was not observed in 6269 samples (12538 alleles) with coverage at this position. To date, this alteration has been detected with an allele frequency of approximately 0.001% (greater than 125000 alleles tested) in our clinical cohort. This amino acid position is highly conserved in available vertebrate species. In addition, this alteration is predicted to be tolerated by in silico analysis. Since supporting evidence is limited at this time, the clinical significance of this alteration remains unclear.